The following is an entry in ClinVar:

NM_001042492.3(NF1):c.7006G>A (p.Ala2336Thr)

Gene: NF1 (neurofibromin 1; plus strand). Cytogenetic location: 17q11.2.
Variant type: single nucleotide variant.
Coding change: c.7006G>A on transcript NM_001042492.3 (MANE Select); coding-DNA position 7006, G replaced by A.
Protein change: p.Ala2336Thr; replaces alanine 2336 with threonine.
Molecular consequence: missense variant.
Genome position (GRCh38, 1-based): chr17:31,340,589, G>A. VCF-style: chr17-31340589-G-A. GRCh37 (hg19) VCF-style: chr17-29667607-G-A.
Other names: c.7006G>A (NM_001042492.1); c.6943G>A, p.Ala2315Thr (NM_000267.4); short protein forms A2315T, A2336T.
Identifiers: ClinVar variation 141001 (VCV000141001.26), dbSNP rs587781428, ClinGen allele CA164180.
Genomic context (GRCh38, chr17:31,340,589, plus strand): 5'-TTTTGGGTAGCTGTGGCTGTGCTGCAGCTTGATGAGGTCAACTTGTATTCAGCAGGTACC[G>A]CACTTCTTGAACAAAACCTGCATACTTTAGATAGTCTCCGTATATTCAATGACAAGGTAA-3'
Protein context (NP_001035957.1, residues 2326-2346): DEVNLYSAGT[Ala2336Thr]LLEQNLHTLD

ClinVar aggregate classification (germline): Conflicting classifications of pathogenicity. Review status: criteria provided, conflicting classifications (1 of 4 stars). 9 submissions from 8 submitters: Uncertain significance (6); Likely benign (2). 1 of the submissions does not count toward it. Last evaluated 2026-01-13.

Conditions:
NF1-related disorder. Also called: NF1-related condition. Identifiers: MedGen CN379171.
Hereditary cancer-predisposing syndrome. Also called: Neoplastic Syndromes, Hereditary; Hereditary Cancer Syndrome; Hereditary neoplastic syndrome; Tumor predisposition. Identifiers: Orphanet 140162, MedGen C0027672, MeSH D009386, MONDO:0015356.
Cardiovascular phenotype. Identifiers: MedGen CN230736.
Neurofibromatosis, type 1 (NF1). Also called: VON RECKLINGHAUSEN DISEASE; Neurofibromatosis, type I; NEUROFIBROMATOSIS, TYPE I, SOMATIC; Peripheral type neurofibromatosis. Identifiers: Orphanet 636, MedGen C0027831, MONDO:0018975, OMIM 162200. Disease mechanism: loss of function.

Allele frequency attached by ClinVar (database versions not stated): ExAC 0.00002; gnomAD exomes 0.00002; gnomAD 0.00006.
gnomAD v4.1: 24 of 1,613,928 alleles (0.0015%); highest among the groups gnomAD compares: African/African-American, 0.004%; no homozygotes.

Submissions (9):

Labcorp Genetics (formerly Invitae), Labcorp
Classification: Likely benign for Neurofibromatosis, type 1. Last evaluated: 2026-01-13. Review status: criteria provided, single submitter. Criteria: Invitae Variant Classification Sherloc (09022015). Collection method: clinical testing. Allele origin: germline.

GeneDx
Classification: Uncertain significance. Last evaluated: 2023-04-07. Review status: criteria provided, single submitter. Criteria: GeneDx Variant Classification Process June 2021. Collection method: clinical testing. Allele origin: germline. Affected: yes.
Comment: In silico analysis supports that this missense variant has a deleterious effect on protein structure/function; Observed in individuals with breast cancer (Momozawa et al., 2018; Guindalini et al., 2022); This variant is associated with the following publications: (PMID: 25486365, 30287823, 35264596, 32980694)

Genome-Nilou Lab
Classification: Uncertain significance for Neurofibromatosis, type 1. Last evaluated: 2022-03-15. Review status: criteria provided, single submitter. Criteria: ACMG Guidelines, 2015. Collection method: clinical testing. Allele origin: germline. Affected: no.

Institute for Clinical Genetics, University Hospital TU Dresden, University Hospital TU Dresden
Classification: Uncertain significance. Last evaluated: 2021-11-03. Review status: criteria provided, single submitter. Criteria: ACMG Guidelines, 2015. Collection method: clinical testing. Allele origin: germline.

Sema4
Classification: Uncertain significance for Hereditary cancer-predisposing syndrome. Last evaluated: 2021-10-18. Review status: criteria provided, single submitter. Criteria: Sema4 Curation Guidelines. Collection method: curation. Allele origin: germline.
Comment: The NF1 c.6943G>A (p.A2315T) variant has been reported in at least one individual with breast cancer and has also been seen in controls (PMID: 30287823, 32980694). It was observed in 3/24962 chromosomes of the African/African American subpopulation in the large and broad cohorts of the Genome Aggregation Database (PMID: 32461654). The variant has been reported in ClinVar (Variation ID 141001). Functional studies have not been performed, and in silico predictions of the variant's effect on protein function are inconclusive. The evidence is insufficient to meet ACMG/AMP criteria for classifying the variant as benign or pathogenic. Thus, the clinical significance of this variant is currently uncertain.

Ambry Genetics
Classification: Likely benign for Cardiovascular phenotype; Hereditary cancer-predisposing syndrome. Last evaluated: 2018-10-11. Review status: criteria provided, single submitter. Criteria: Ambry Variant Classification Scheme 2023. Collection method: clinical testing. Allele origin: germline.

Mendelics
Classification: Uncertain significance for Neurofibromatosis, type 1. Last evaluated: 2018-07-02. Review status: criteria provided, single submitter. Criteria: Mendelics Assertion Criteria 2017. Collection method: clinical testing. Allele origin: unknown.

Ambry Genetics
Classification: Uncertain significance for Hereditary cancer-predisposing syndrome. Last evaluated: 2016-01-03. Review status: criteria provided, single submitter. Criteria: Ambry Autosomal Dominant and X-Linked criteria (10/2015). Collection method: clinical testing. Allele origin: germline. Observed: 1 variant allele.
Comment: The p.A2336T variant (also known as c.7006G>A), located in coding exon 47 of the NF1 gene, results from a G to A substitution at nucleotide position 7006. The alanine at codon 2336 is replaced by threonine, an amino acid with similar properties. This variant was not reported in population based cohorts in the following databases: Database of Single Nucleotide Polymorphisms (dbSNP), NHLBI Exome Sequencing Project (ESP), and 1000 Genomes Project. In the ESP, this variant was not observed in 6503 samples (13006 alleles) with coverage at this position. To date, this alteration has been detected with an allele frequency of approximately 0.009% (greater than 110000 alleles tested) in our clinical cohort. Based on protein sequence alignment, this amino acid position is highly conserved in available vertebrate species. In addition, this alteration is predicted to be possibly damaging yet tolerated by PolyPhen and SIFT in silico analyses, respectively. Since supporting evidence is limited at this time, the clinical significance of p.A2336T remains unclear.

PreventionGenetics, part of Exact Sciences
Classification: Uncertain significance for NF1-related condition. Last evaluated: 2024-08-04. Review status: no assertion criteria provided. Collection method: clinical testing. Allele origin: germline. Not counted in ClinVar's aggregate classification.
Comment: The NF1 c.7006G>A variant is predicted to result in the amino acid substitution p.Ala2336Thr. This variant was reported to segregate (data not shown) with neurofibromatosis in one family (Han et al 2001. PubMed ID: 11735023). This variant is reported in 0.012% of alleles in individuals of African descent in gnomAD and is interpreted as uncertain in ClinVar. At this time, the clinical significance of this variant is uncertain due to the absence of conclusive functional and genetic evidence.

Literature cited by the submitters: PubMed 30287823 (cited by Sema4); PubMed 32980694 (cited by Sema4).